The following is an entry in ClinVar:

NM_000492.4(CFTR):c.1584+43C>T

Genes: CFTR (CF transmembrane conductance regulator; plus strand), CFTR-AS1 (CFTR antisense RNA 1; minus strand). Cytogenetic location: 7q31.2.
Variant type: single nucleotide variant.
Coding change: c.1584+43C>T on transcript NM_000492.4 (MANE Select); 43 bases into the intron after coding-DNA position 1584, C replaced by T.
Molecular consequence: intron variant.
Genome position (GRCh38, 1-based): chr7:117,559,698, C>T. VCF-style: chr7-117559698-C-T. GRCh37 (hg19) VCF-style: chr7-117199752-C-T.
Identifiers: ClinVar variation 4995184 (VCV004995184.1).
Genomic context (GRCh38, chr7:117,559,698, plus strand): 5'-GCATGCCAACTAGAAGAGGTAAGAAACTATGTGAAAACTTTTTGATTATGCATATGAACC[C>T]TTCACACTACCCAAATTATATATTTGGCTCCATATTCAATCGGTTAGTCTACATATATTT-3'

ClinVar aggregate classification (germline): Likely benign (1 of 4 stars; one submission).

Conditions:
CFTR-related disorder (CFTR-RD). Also called: CFTR-related condition; CFTR-related disorders. Identifiers: MedGen C5924204, MONDO:7770004.

gnomAD v4.1: 1 of 1,297,370 alleles (0.000077%); highest among the groups gnomAD compares: Admixed American, 0.0017%; no homozygotes.

Submission:

PreventionGenetics, part of Exact Sciences
Classification: Likely benign for CFTR-related condition. Last evaluated: 2026-09-09. Review status: criteria provided, single submitter. Criteria: ACMG Guidelines, 2015. Collection method: clinical testing. Allele origin: germline.
Comment: This variant is classified as likely benign based on ACMG/AMP sequence variant interpretation guidelines (Richards et al. 2015 PMID: 25741868, with internal and published modifications).